The following is an entry in ClinVar:

NM_020778.5(ALPK3):c.2244dup (p.Ala749fs)

Gene: ALPK3 (alpha kinase 3; plus strand). Cytogenetic location: 15q25.3.
Variant type: Duplication.
Coding change: c.2244dup on transcript NM_020778.5 (MANE Select); coding-DNA position 2244, one base duplicated (A; older notation c.2244dupA).
Protein change: p.Ala749fs; shifts the reading frame from alanine 749.
Molecular consequence: frameshift variant.
Genome position (GRCh38, 1-based): chr15:84,856,982, A duplicated. VCF-style (leftmost placement, unchanged base first): chr15-84856981-G-GA. GRCh37 (hg19) VCF-style: chr15-85400212-G-GA.
Other names: c.2850dupA (NM_020778.4); short protein forms A749fs.
Identifiers: ClinVar variation 1963125 (VCV001963125.7), dbSNP rs2505719933, ClinGen allele CA2580090109.
Genomic context (GRCh38, chr15:84,856,981, plus strand): 5'-TGGCAACCAGCCTCGGCCCACCATCCAGAACCCCCAAACTCCCACCTACAGCGGGTCCTA[G>GA]AGCTCCTCTGAATATTGAATGTTTTGTACAGACCCCAGAAGGGTCTTGTTTCCCAAAAAA-3'

ClinVar aggregate classification (germline): Pathogenic/Likely pathogenic. Review status: criteria provided, multiple submitters, no conflicts (2 of 4 stars). 3 submissions from 3 submitters: Pathogenic (2); Likely pathogenic (1). Last evaluated 2025-03-03.

Conditions:
Cardiovascular phenotype. Identifiers: MedGen CN230736.

Submissions (3):

Labcorp Genetics (formerly Invitae), Labcorp
Classification: Pathogenic. Last evaluated: 2025-03-03. Review status: criteria provided, single submitter. Criteria: Invitae Variant Classification Sherloc (09022015). Collection method: clinical testing. Allele origin: germline.
Comment: This sequence change creates a premature translational stop signal (p.Ala951Serfs*6) in the ALPK3 gene. It is expected to result in an absent or disrupted protein product. Loss-of-function variants in ALPK3 are known to be pathogenic (PMID: 21441111, 26846950, 27106955, 34263907). This variant is not present in population databases (gnomAD no frequency). This variant has not been reported in the literature in individuals affected with ALPK3-related conditions. ClinVar contains an entry for this variant (Variation ID: 1963125). For these reasons, this variant has been classified as Pathogenic.

GeneDx
Classification: Likely pathogenic. Last evaluated: 2024-04-15. Review status: criteria provided, single submitter. Criteria: GeneDx Variant Classification Process June 2021. Collection method: clinical testing. Allele origin: germline. Affected: yes.
Comment: Frameshift variant predicted to result in protein truncation or nonsense mediated decay in a gene for which loss of function is a known mechanism of disease; Not observed at significant frequency in large population cohorts (gnomAD); Identified in a patient with HCM who also harbored a variant in the MYH7 gene (PMID: 34263907); This variant is associated with the following publications: (PMID: 34263907)

Ambry Genetics
Classification: Pathogenic for Cardiovascular phenotype. Last evaluated: 2023-10-06. Review status: criteria provided, single submitter. Criteria: Ambry Variant Classification Scheme 2023. Collection method: clinical testing. Allele origin: germline.
Comment: The c.2850dupA pathogenic mutation, located in coding exon 6 of the ALPK3 gene, results from a duplication of A at nucleotide position 2850, causing a translational frameshift with a predicted alternate stop codon (p.A951Sfs*6). This alteration, reported as p.A749Sfs*6, has been reported in a hypertrophic cardiomyopathy (HCM) cohort (Lopes LR et al. Eur Heart J, 2021 Aug;42:3063-3073). This variant is considered to be rare based on population cohorts in the Genome Aggregation Database (gnomAD). In addition to the clinical data presented in the literature, this alteration is expected to result in loss of function by premature protein truncation or nonsense-mediated mRNA decay. As such, this alteration is interpreted as a disease-causing mutation.

Literature cited by the submitters: PubMed 21441111 (cited by Labcorp Genetics (formerly Invitae), Labcorp); PubMed 26846950 (cited by Labcorp Genetics (formerly Invitae), Labcorp); PubMed 27106955 (cited by Labcorp Genetics (formerly Invitae), Labcorp); PubMed 34263907 (cited by Labcorp Genetics (formerly Invitae), Labcorp and Ambry Genetics).